The following is an entry in ClinVar:

NM_001330078.2(NRXN1):c.3775G>C (p.Gly1259Arg)

Gene: NRXN1 (neurexin 1; minus strand). Cytogenetic location: 2p16.3.
Variant type: single nucleotide variant.
Coding change: c.3775G>C on transcript NM_001330078.2 (MANE Select); coding-DNA position 3775, G replaced by C.
Protein change: p.Gly1259Arg; replaces glycine 1259 with arginine.
Molecular consequence: missense variant. On other transcripts: intron variant (8).
Genome position (GRCh38, 1-based): chr2:50,054,988, C>G on the plus strand (G>C on the coding strand, the complement: NRXN1 is on the minus strand). VCF-style: chr2-50054988-C-G. GRCh37 (hg19) VCF-style: chr2-50282126-C-G.
Other names: c.3895G>C, p.Gly1299Arg (NM_001135659.3); c.3751G>C, p.Gly1251Arg (NM_001330077.2, NM_001330082.2); c.3709G>C, p.Gly1237Arg (NM_001330084.2); c.3748G>C, p.Gly1250Arg (NM_001330085.2); c.3775G>C, p.Gly1259Arg (NM_001330086.2); c.670G>C, p.Gly224Arg (NM_001330091.2, NM_001330092.2); c.3772G>C, p.Gly1258Arg (NM_001330093.2); c.3763G>C, p.Gly1255Arg (NM_001330094.2); and 6 more; short protein forms G1299R, G1250R, G1251R, G1259R, G224R, G1255R, G1258R, G1237R.
Identifiers: ClinVar variation 573853 (VCV000573853.10), dbSNP rs1558780258, ClinGen allele CA346820097.

ClinVar aggregate classification (germline): Uncertain significance (1 of 4 stars; one submission).

Conditions:
Pitt-Hopkins-like syndrome 2 (PTHSL2). Identifiers: Orphanet 221150, Orphanet 600663, MedGen C3280479, MONDO:0013690, OMIM 614325.

Submission:

Labcorp Genetics (formerly Invitae), Labcorp
Classification: Uncertain significance for Pitt-Hopkins-like syndrome 2. Last evaluated: 2021-01-14. Review status: criteria provided, single submitter. Criteria: Invitae Variant Classification Sherloc (09022015). Collection method: clinical testing. Allele origin: germline.
Comment: In summary, the available evidence is currently insufficient to determine the role of this variant in disease. Therefore, it has been classified as a Variant of Uncertain Significance. Algorithms developed to predict the effect of missense changes on protein structure and function (SIFT, PolyPhen-2, Align-GVGD) all suggest that this variant is likely to be disruptive, but these predictions have not been confirmed by published functional studies and their clinical significance is uncertain. This variant has not been reported in the literature in individuals with NRXN1-related disease. This variant is not present in population databases (ExAC no frequency). This sequence change replaces glycine with arginine at codon 1299 of the NRXN1 protein (p.Gly1299Arg). The glycine residue is highly conserved and there is a moderate physicochemical difference between glycine and arginine.